The following is an entry in ClinVar:

ClinVar aggregate classification (germline): Conflicting classifications of pathogenicity. Review status: criteria provided, conflicting classifications (1 of 4 stars). 3 submissions from 3 submitters: Uncertain significance (2); Likely benign (1). Last evaluated 2025-05-15.

Conditions:
Primary ciliary dyskinesia. Also called: Ciliary dyskinesia. Identifiers: Orphanet 244, MedGen C0008780, MONDO:0016575, HP:0012265.

Allele frequency attached by ClinVar (database versions not stated): TOPMed 0.00003; gnomAD 0.00005; ExAC 0.00006; gnomAD exomes 0.00006.
gnomAD v4.1: 88 of 1,613,672 alleles (0.0055%); highest among the groups gnomAD compares: South Asian, 0.012%; no homozygotes.

Submissions (3):

Ambry Genetics
Classification: Likely benign for Primary ciliary dyskinesia. Last evaluated: 2025-05-15. Review status: criteria provided, single submitter. Criteria: Ambry Variant Classification Scheme 2023. Collection method: clinical testing. Allele origin: germline.

GeneDx
Classification: Uncertain significance. Last evaluated: 2023-06-28. Review status: criteria provided, single submitter. Criteria: GeneDx Variant Classification Process June 2021. Collection method: clinical testing. Allele origin: germline. Affected: yes.
Comment: In silico analysis supports that this missense variant does not alter protein structure/function; Has not been previously published as pathogenic or benign to our knowledge

Labcorp Genetics (formerly Invitae), Labcorp
Classification: Uncertain significance for Primary ciliary dyskinesia. Last evaluated: 2021-08-24. Review status: criteria provided, single submitter. Criteria: Invitae Variant Classification Sherloc (09022015). Collection method: clinical testing. Allele origin: germline.
Comment: This sequence change replaces alanine with valine at codon 543 of the DNAI2 protein (p.Ala543Val). The alanine residue is weakly conserved and there is a small physicochemical difference between alanine and valine. This variant is present in population databases (rs770547622, ExAC 0.01%). This variant has not been reported in the literature in individuals affected with DNAI2-related conditions. Algorithms developed to predict the effect of missense changes on protein structure and function output the following: SIFT: "Tolerated"; PolyPhen-2: "Benign"; Align-GVGD: "Class C0". The valine amino acid residue is found in multiple mammalian species, which suggests that this missense change does not adversely affect protein function. Algorithms developed to predict the effect of sequence changes on RNA splicing suggest that this variant may create or strengthen a splice site. In summary, the available evidence is currently insufficient to determine the role of this variant in disease. Therefore, it has been classified as a Variant of Uncertain Significance.

NM_023036.6(DNAI2):c.1628C>T (p.Ala543Val)

Gene: DNAI2 (dynein axonemal intermediate chain 2; plus strand). Cytogenetic location: 17q25.1.
Variant type: single nucleotide variant.
Coding change: c.1628C>T on transcript NM_023036.6 (MANE Select); coding-DNA position 1628, C replaced by T.
Protein change: p.Ala543Val; replaces alanine 543 with valine.
Molecular consequence: missense variant.
Genome position (GRCh38, 1-based): chr17:74,312,136, C>T. VCF-style: chr17-74312136-C-T. GRCh37 (hg19) VCF-style: chr17-72308275-C-T.
Other names: c.1592C>T, p.Ala531Val (NM_001172810.3); c.1628C>T, p.Ala543Val (NM_001353167.2); c.1628C>T (NM_023036.4); short protein forms A543V, A531V.
Identifiers: ClinVar variation 2039397 (VCV002039397.3), dbSNP rs770547622, ClinGen allele CA8745849.
Genomic context (GRCh38, chr17:74,312,136, plus strand): 5'-GTAAGGCGGAGGGCAGGGATGAGGAGCAGACCGATGAGGAGCTGGCCGTAGACCTGGAGG[C>T]GCTGGTCAGCAAGGCCGAGGAGGAGTTCTTCGACATCATCTTCGCAGAGCTGAAGAAGAA-3'
Protein context (NP_075462.3, residues 533-553): TDEELAVDLE[Ala543Val]LVSKAEEEFF